The following is an entry in ClinVar:

ClinVar aggregate classification (germline): Uncertain significance (1 of 4 stars; one submission).

Submission:

Labcorp Genetics (formerly Invitae), Labcorp
Classification: Uncertain significance. Last evaluated: 2022-08-03. Review status: criteria provided, single submitter. Criteria: Invitae Variant Classification Sherloc (09022015). Collection method: clinical testing. Allele origin: germline.
Comment: This sequence change replaces aspartic acid, which is acidic and polar, with asparagine, which is neutral and polar, at codon 1457 of the ERCC6L2 protein (p.Asp1457Asn). In summary, the available evidence is currently insufficient to determine the role of this variant in disease. Therefore, it has been classified as a Variant of Uncertain Significance. Algorithms developed to predict the effect of missense changes on protein structure and function are either unavailable or do not agree on the potential impact of this missense change (SIFT: "Tolerated"; PolyPhen-2: "Not Available"; Align-GVGD: "Class C0"). This variant has not been reported in the literature in individuals affected with ERCC6L2-related conditions. This variant is not present in population databases (gnomAD no frequency).

NM_020207.7(ERCC6L2):c.4336G>A (p.Asp1446Asn)

Gene: ERCC6L2 (ERCC excision repair 6 like 2; plus strand). Cytogenetic location: 9q22.32.
Variant type: single nucleotide variant.
Coding change: c.4336G>A on transcript NM_020207.7 (MANE Select); coding-DNA position 4336, G replaced by A.
Protein change: p.Asp1446Asn; replaces aspartic acid 1446 with asparagine.
Molecular consequence: missense variant. On other transcripts: non-coding transcript variant (1), intron variant (2).
Genome position (GRCh38, 1-based): chr9:96,012,886, G>A. VCF-style: chr9-96012886-G-A. GRCh37 (hg19) VCF-style: chr9-98775168-G-A.
Other names: c.3674+8185G>A (NM_001375291.1, NM_001375292.1); short protein forms D1446N.
Identifiers: ClinVar variation 1714981 (VCV001714981.5), dbSNP rs2490775479, ClinGen allele CA466123203.
Genomic context (GRCh38, chr9:96,012,886, plus strand): 5'-GAAAATCCAGTGCTGGAAAATACTTCTGTGATAAGCTTACTTGGTGATACCTCTATTCTT[G>A]ATGACCTTTTTAAAAGTCATGGGAACAGTCCCACACAACTGCCAAAGAAAGTTCTTTCAG-3'
Protein context (NP_064592.3, residues 1436-1456): ISLLGDTSIL[Asp1446Asn]DLFKSHGNSP